The following is an entry in ClinVar:

ClinVar aggregate classification (germline): Pathogenic (1 of 4 stars; one submission).

Submission:

Labcorp Genetics (formerly Invitae), Labcorp
Classification: Pathogenic. Last evaluated: 2023-07-15. Review status: criteria provided, single submitter. Criteria: Invitae Variant Classification Sherloc (09022015). Collection method: clinical testing. Allele origin: germline.
Comment: This sequence change creates a premature translational stop signal (p.Trp604*) in the GLE1 gene. It is expected to result in an absent or disrupted protein product. Loss-of-function variants in GLE1 are known to be pathogenic (PMID: 18204449, 24243016, 27684565). This variant is not present in population databases (gnomAD no frequency). This variant has not been reported in the literature in individuals affected with GLE1-related conditions. For these reasons, this variant has been classified as Pathogenic.

Literature cited by the submitters: PubMed 18204449; PubMed 24243016; PubMed 27684565.

NM_001003722.2(GLE1):c.1811G>A (p.Trp604Ter)

Genes: GLE1 (GLE1 RNA export mediator; plus strand), LOC101929270 (uncharacterized LOC101929270; minus strand). Cytogenetic location: 9q34.11.
Variant type: single nucleotide variant.
Coding change: c.1811G>A on transcript NM_001003722.2 (MANE Select); coding-DNA position 1811, G replaced by A.
Protein change: p.Trp604Ter; replaces tryptophan 604 with a stop codon.
Molecular consequence: nonsense.
Genome position (GRCh38, 1-based): chr9:128,538,020, G>A. VCF-style: chr9-128538020-G-A. GRCh37 (hg19) VCF-style: chr9-131300299-G-A.
Other names: c.1838G>A, p.Trp613Ter (NM_001411013.1); c.1811G>A, p.Trp604Ter (NM_001499.2); short protein forms W604*, W613*.
Identifiers: ClinVar variation 2743487 (VCV002743487.3), dbSNP rs2540642539, ClinGen allele CA375045260.
Genomic context (GRCh38, chr9:128,538,020, plus strand): 5'-TGATAACCAAGCTTCTCTACTCCCAGATTCACCCTCATGGCTTAAATCATGGATGGCGCT[G>A]GTTGGCACAGATCTTAAACATGGAGCCCTTGTCAGATGTGACAGCCACCCTCCTCTTTGA-3'